The following is an entry in ClinVar:

ClinVar aggregate classification (germline): Uncertain significance (1 of 4 stars; one submission).

Conditions:
Maple syrup urine disease, mild variant (MSUDMV). Identifiers: Orphanet 511, MedGen C3554575, MONDO:0014057, OMIM 615135.

Allele frequency attached by ClinVar (database versions not stated): gnomAD exomes 0.00001.
gnomAD v4.1: 8 of 1,587,362 alleles (0.0005%); highest among the groups gnomAD compares: Middle Eastern, 0.017%; no homozygotes.

Submission:

Labcorp Genetics (formerly Invitae), Labcorp
Classification: Uncertain significance for Maple syrup urine disease, mild variant. Last evaluated: 2023-08-04. Review status: criteria provided, single submitter. Criteria: Invitae Variant Classification Sherloc (09022015). Collection method: clinical testing. Allele origin: germline.
Comment: In summary, the available evidence is currently insufficient to determine the role of this variant in disease. Therefore, it has been classified as a Variant of Uncertain Significance. Algorithms developed to predict the effect of sequence changes on RNA splicing suggest that this variant may disrupt the consensus splice site. This variant has not been reported in the literature in individuals affected with PPM1K-related conditions. This variant is not present in population databases (gnomAD no frequency). This sequence change falls in intron 6 of the PPM1K gene. It does not directly change the encoded amino acid sequence of the PPM1K protein.

NM_152542.5(PPM1K):c.988-15T>A

Gene: PPM1K (protein phosphatase, Mg2+/Mn2+ dependent 1K; minus strand). Cytogenetic location: 4q22.1.
Variant type: single nucleotide variant.
Coding change: c.988-15T>A on transcript NM_152542.5 (MANE Select); 15 bases into the intron before coding-DNA position 988, T replaced by A.
Molecular consequence: intron variant.
Genome position (GRCh38, 1-based): chr4:88,262,741, A>T on the plus strand (T>A on the coding strand, the complement: PPM1K is on the minus strand). VCF-style: chr4-88262741-A-T. GRCh37 (hg19) VCF-style: chr4-89183893-A-T.
Identifiers: ClinVar variation 2784147 (VCV002784147.3), dbSNP rs2476556529, ClinGen allele CA2671377065.